The following is an entry in ClinVar:

ClinVar aggregate classification (germline): Likely benign. Review status: criteria provided, multiple submitters, no conflicts (2 of 4 stars). 3 submissions from 3 submitters: Likely benign (3). Last evaluated 2025-10-26.

Conditions:
Episodic ataxia type 2 (EA2). Also called: ATAXIA, EPISODIC, WITH NYSTAGMUS; ATAXIA, FAMILIAL PAROXYSMAL; CEREBELLAR ATAXIA, PAROXYSMAL, ACETAZOLAMIDE-RESPONSIVE; CEREBELLOPATHY, HEREDITARY PAROXYSMAL; EPISODIC ATAXIA, NYSTAGMUS-ASSOCIATED; ACETAZOLAMIDE-RESPONSIVE HEREDITARY PAROXYSMAL CEREBELLAR ATAXIA. Identifiers: Orphanet 97, MedGen C1720416, MONDO:0007163, OMIM 108500.
Developmental and epileptic encephalopathy, 42 (DEE42A). Also called: DEVELOPMENTAL AND EPILEPTIC ENCEPHALOPATHY 42A; EPILEPTIC ENCEPHALOPATHY, EARLY INFANTILE, 42A; Epileptic encephalopathy, early infantile, 42. Identifiers: MedGen C4310716, MONDO:0014917, OMIM 617106.

Allele frequency attached by ClinVar (database versions not stated): gnomAD 0.00001; TOPMed 0.00002.
gnomAD v4.1: 30 of 1,558,114 alleles (0.0019%); highest among the groups gnomAD compares: East Asian, 0.0023%; no homozygotes.

Submissions (3):

Labcorp Genetics (formerly Invitae), Labcorp
Classification: Likely benign for Developmental and epileptic encephalopathy, 42; Episodic ataxia type 2. Last evaluated: 2025-10-26. Review status: criteria provided, single submitter. Criteria: Invitae Variant Classification Sherloc (09022015). Collection method: clinical testing. Allele origin: germline.

Women's Health and Genetics/Laboratory Corporation of America, LabCorp
Classification: Likely benign. Last evaluated: 2025-05-05. Review status: criteria provided, single submitter. Criteria: LabCorp Variant Classification Summary - May 2015. Collection method: clinical testing. Allele origin: germline.

GeneDx
Classification: Likely benign. Last evaluated: 2017-11-09. Review status: criteria provided, single submitter. Criteria: GeneDx Variant Classification (06012015). Collection method: clinical testing. Allele origin: germline. Affected: yes.
Comment: This variant is considered likely benign or benign based on one or more of the following criteria: it is a conservative change, it occurs at a poorly conserved position in the protein, it is predicted to be benign by multiple in silico algorithms, and/or has population frequency not consistent with disease.

NM_001127222.2(CACNA1A):c.5731+19C>T

Gene: CACNA1A (calcium voltage-gated channel subunit alpha1 A; minus strand). Cytogenetic location: 19p13.13.
Variant type: single nucleotide variant.
Coding change: c.5731+19C>T on transcript NM_001127222.2 (MANE Select); 19 bases into the intron after coding-DNA position 5731, C replaced by T.
Molecular consequence: intron variant.
Genome position (GRCh38, 1-based): chr19:13,224,648, G>A on the plus strand (C>T on the coding strand, the complement: CACNA1A is on the minus strand). VCF-style: chr19-13224648-G-A. GRCh37 (hg19) VCF-style: chr19-13335462-G-A.
Other names: c.5734+19C>T (NM_001127221.2); c.5740+19C>T (NM_001174080.2); c.5749+19C>T (NM_000068.4, NM_023035.3).
Identifiers: ClinVar variation 513148 (VCV000513148.10), dbSNP rs1259224644, ClinGen allele CA631867092.